The following is an entry in ClinVar:

ClinVar aggregate classification (germline): Uncertain significance (1 of 4 stars; one submission).

Conditions:
Epileptic encephalopathy. Identifiers: MedGen C0543888, HP:0200134.

Allele frequency attached by ClinVar (database versions not stated): TOPMed 0.00001; gnomAD 0.00003; gnomAD exomes 0.00003; ExAC 0.00008; 1000 Genomes Project 30x 0.00016; 1000 Genomes Project 0.00020.
gnomAD v4.1: 41 of 1,595,348 alleles (0.0026%); highest among the groups gnomAD compares: South Asian, 0.037%; 3 homozygotes.

Submission:

Labcorp Genetics (formerly Invitae), Labcorp
Classification: Uncertain significance for Epileptic encephalopathy. Last evaluated: 2023-10-13. Review status: criteria provided, single submitter. Criteria: Invitae Variant Classification Sherloc (09022015). Collection method: clinical testing. Allele origin: germline.
Comment: This sequence change replaces glycine, which is neutral and non-polar, with arginine, which is basic and polar, at codon 1354 of the FASN protein (p.Gly1354Arg). This variant is present in population databases (rs543915161, gnomAD 0.05%). This variant has not been reported in the literature in individuals affected with FASN-related conditions. ClinVar contains an entry for this variant (Variation ID: 1901700). An algorithm developed to predict the effect of missense changes on protein structure and function (PolyPhen-2) suggests that this variant is likely to be disruptive. In summary, the available evidence is currently insufficient to determine the role of this variant in disease. Therefore, it has been classified as a Variant of Uncertain Significance.

NM_004104.5(FASN):c.4060G>A (p.Gly1354Arg)

Gene: FASN (fatty acid synthase; minus strand). Cytogenetic location: 17q25.3.
Variant type: single nucleotide variant.
Coding change: c.4060G>A on transcript NM_004104.5 (MANE Select); coding-DNA position 4060, G replaced by A.
Protein change: p.Gly1354Arg; replaces glycine 1354 with arginine.
Molecular consequence: missense variant.
Genome position (GRCh38, 1-based): chr17:82,085,544, C>T on the plus strand (G>A on the coding strand, the complement: FASN is on the minus strand). VCF-style: chr17-82085544-C-T. GRCh37 (hg19) VCF-style: chr17-80043420-C-T.
Other names: short protein forms G1354R.
Identifiers: ClinVar variation 1901700 (VCV001901700.5), dbSNP rs543915161, ClinGen allele CA8852218.